The following is an entry in ClinVar:

NM_007055.4(POLR3A):c.1325_1326del (p.Gln442fs)

Gene: POLR3A (RNA polymerase III subunit A; minus strand). Cytogenetic location: 10q22.3.
Variant type: Deletion.
Coding change: c.1325_1326del on transcript NM_007055.4 (MANE Select); coding-DNA positions 1325 to 1326, 2 bases deleted (AA; older notation c.1325_1326delAA).
Protein change: p.Gln442fs; shifts the reading frame from glutamine 442.
Molecular consequence: frameshift variant.
Genome position (GRCh38, 1-based): chr10:78,017,680-78,017,681, TT deleted on the plus strand (AA on the coding strand, the reverse complement: POLR3A is on the minus strand). VCF-style (leftmost placement, unchanged base first): chr10-78017679-CTT-C. GRCh37 (hg19) VCF-style: chr10-79777437-CTT-C.
Other names: short protein forms Q442fs.
Identifiers: ClinVar variation 2842195 (VCV002842195.3), dbSNP rs2493231161, ClinGen allele CA2609825232.

ClinVar aggregate classification (germline): Pathogenic (1 of 4 stars; one submission).

Allele frequency attached by ClinVar (database versions not stated): gnomAD exomes below 0.00001.

Submission:

Labcorp Genetics (formerly Invitae), Labcorp
Classification: Pathogenic. Last evaluated: 2025-10-26. Review status: criteria provided, single submitter. Criteria: Invitae Variant Classification Sherloc (09022015). Collection method: clinical testing. Allele origin: germline.
Comment: This sequence change creates a premature translational stop signal (p.Gln442Argfs*6) in the POLR3A gene. It is expected to result in an absent or disrupted protein product. Loss-of-function variants in POLR3A are known to be pathogenic (PMID: 21855841, 25339210, 27612211, 30414627, 30450527). This variant is not present in population databases (gnomAD no frequency). This variant has not been reported in the literature in individuals affected with POLR3A-related conditions. ClinVar contains an entry for this variant (Variation ID: 2842195). For these reasons, this variant has been classified as Pathogenic.

Literature cited by the submitters: PubMed 21855841; PubMed 25339210; PubMed 27612211; PubMed 30414627; PubMed 30450527.